The following is an entry in ClinVar:

NM_173728.4(ARHGEF15):c.793T>G (p.Ser265Ala)

Gene: ARHGEF15 (Rho guanine nucleotide exchange factor 15; plus strand). Cytogenetic location: 17p13.1.
Variant type: single nucleotide variant.
Coding change: c.793T>G on transcript NM_173728.4 (MANE Select); coding-DNA position 793, T replaced by G.
Protein change: p.Ser265Ala; replaces serine 265 with alanine.
Molecular consequence: missense variant.
Genome position (GRCh38, 1-based): chr17:8,313,113, T>G. VCF-style: chr17-8313113-T-G. GRCh37 (hg19) VCF-style: chr17-8216431-T-G.
Other names: c.793T>G, p.Ser265Ala (NM_025014.2); short protein forms S265A.
Identifiers: ClinVar variation 1409552 (VCV001409552.9), dbSNP rs1475346467, ClinGen allele CA398016220.

ClinVar aggregate classification (germline): Uncertain significance (1 of 4 stars; one submission).

Conditions:
Early-infantile DEE. Also called: Early infantile epileptic encephalopathy; Ohtahara syndrome; Early infantile epileptic encephalopathy with suppression bursts. Identifiers: Orphanet 1934, MedGen C0393706, MONDO:0800491.

Allele frequency attached by ClinVar (database versions not stated): gnomAD exomes below 0.00001; TOPMed below 0.00001; gnomAD 0.00001.
gnomAD v4.1: 4 of 1,328,824 alleles (0.0003%); highest among the groups gnomAD compares: Non-Finnish European, 0.00043%; no homozygotes.

Submission:

Labcorp Genetics (formerly Invitae), Labcorp
Classification: Uncertain significance for Early-infantile DEE. Last evaluated: 2021-04-11. Review status: criteria provided, single submitter. Criteria: Invitae Variant Classification Sherloc (09022015). Collection method: clinical testing. Allele origin: germline.
Comment: In summary, the available evidence is currently insufficient to determine the role of this variant in disease. Therefore, it has been classified as a Variant of Uncertain Significance. Algorithms developed to predict the effect of sequence changes on RNA splicing suggest that this variant may create or strengthen a splice site, but this prediction has not been confirmed by published transcriptional studies. Algorithms developed to predict the effect of missense changes on protein structure and function (SIFT, PolyPhen-2, Align-GVGD) all suggest that this variant is likely to be disruptive, but these predictions have not been confirmed by published functional studies and their clinical significance is uncertain. This variant has not been reported in the literature in individuals with ARHGEF15-related conditions. This variant is not present in population databases (ExAC no frequency). This sequence change replaces serine with alanine at codon 265 of the ARHGEF15 protein (p.Ser265Ala). The serine residue is highly conserved and there is a moderate physicochemical difference between serine and alanine.